The following is an entry in ClinVar:

NM_001401501.2(MUC16):c.11597G>A (p.Gly3866Glu)

Gene: MUC16 (mucin 16, cell surface associated; minus strand). Cytogenetic location: 19p13.2.
Variant type: single nucleotide variant.
Coding change: c.11597G>A on transcript NM_001401501.2 (MANE Select); coding-DNA position 11597, G replaced by A.
Protein change: p.Gly3866Glu; replaces glycine 3866 with glutamic acid.
Molecular consequence: missense variant.
Genome position (GRCh38, 1-based): chr19:8,965,293, C>T on the plus strand (G>A on the coding strand, the complement: MUC16 is on the minus strand). VCF-style: chr19-8965293-C-T. GRCh37 (hg19) VCF-style: chr19-9075969-C-T.
Other names: c.12023G>A, p.Gly4008Glu (NM_001414686.1); c.11477G>A, p.Gly3826Glu (NM_001414687.1, NM_024690.2); short protein forms G3826E, G3866E, G4008E.
Identifiers: ClinVar variation 3059257 (VCV003059257.2), dbSNP rs2591593, ClinGen allele CA9171242.
Genomic context (GRCh38, chr19:8,965,293, plus strand): 5'-GGAGTTTTTGCTGTGTGTGGGATCACATCCAGAGTTGTTGCTGCTGATCTGGGCACCTGC[C>T]CTGGATGTGCAGAAGTGGTGGTGGGAAGCTGAGTGGAAGTCTGCTCTGCCTTTTTGCTTG-3'
Protein context (NP_001388430.1, residues 3856-3876): QLPTTTSAHP[Gly3866Glu]QVPRSAATTL

ClinVar aggregate classification (germline): Benign (0 of 4 stars; one submission).

Conditions:
MUC16-related disorder. Also called: MUC16-related condition.

Allele frequency attached by ClinVar (database versions not stated): 1000 Genomes Project 0.24820; 1000 Genomes Project 30x 0.24922; gnomAD 0.25955; ESP Exome Variant Server 0.26125; TOPMed 0.26161; ExAC 0.26286; gnomAD exomes 0.29264.

Submission:

PreventionGenetics, part of Exact Sciences
Classification: Benign for MUC16-related condition. Last evaluated: 2019-10-22. Review status: no assertion criteria provided. Collection method: clinical testing. Allele origin: germline.
Comment: This variant is classified as benign based on ACMG/AMP sequence variant interpretation guidelines (Richards et al. 2015 PMID: 25741868, with internal and published modifications).